The following is an entry in ClinVar:

NM_016203.4(PRKAG2):c.466+1G>A

Gene: PRKAG2 (protein kinase AMP-activated non-catalytic subunit gamma 2; minus strand). Cytogenetic location: 7q36.1.
Variant type: single nucleotide variant.
Coding change: c.466+1G>A on transcript NM_016203.4 (MANE Select); the canonical splice donor site of the intron after coding-DNA position 466, G replaced by A.
Molecular consequence: splice donor variant. On other transcripts: missense variant (1), intron variant (1).
Genome position (GRCh38, 1-based): chr7:151,781,151, C>T on the plus strand (G>A on the coding strand, the complement: PRKAG2 is on the minus strand). VCF-style: chr7-151781151-C-T. GRCh37 (hg19) VCF-style: chr7-151478237-C-T.
Other names: c.335G>A, p.Ser112Asn (NM_001407033.1); c.466+1G>A (NM_001407031.1, NM_001407030.1, NM_001407023.1 and 2 more transcripts); c.148+33265G>A (NM_001407032.1); c.334+1G>A (NM_001407026.1, NM_001040633.2, NM_001407027.1 and 1 more transcripts); short protein forms S112N.
Identifiers: ClinVar variation 565973 (VCV000565973.7), dbSNP rs1563658309, ClinGen allele CA370069135.

ClinVar aggregate classification (germline): Uncertain significance (1 of 4 stars; one submission).

Conditions:
Lethal congenital glycogen storage disease of heart. Also called: PHOSPHORYLASE KINASE DEFICIENCY OF HEART; GLYCOGEN STORAGE DISEASE OF HEART. Identifiers: Orphanet 439854, MedGen C1849813, MONDO:0009867, OMIM 261740.

Submission:

Labcorp Genetics (formerly Invitae), Labcorp
Classification: Uncertain significance for Lethal congenital glycogen storage disease of heart. Last evaluated: 2018-02-16. Review status: criteria provided, single submitter. Criteria: Invitae Variant Classification Sherloc (09022015). Collection method: clinical testing. Allele origin: germline.
Comment: In summary, the available evidence is currently insufficient to determine the role of this variant in disease. Therefore, it has been classified as a Variant of Uncertain Significance. The current clinical and genetic evidence is not sufficient to establish whether loss-of-function variants in PRKAG2 cause disease. Algorithms developed to predict the effect of sequence changes on RNA splicing suggest that this variant may disrupt the consensus splice site, but this prediction has not been confirmed by published transcriptional studies. This variant has not been reported in the literature in individuals with PRKAG2-related disease. This variant is not present in population databases (ExAC no frequency). This sequence change affects a donor splice site in intron 3 of the PRKAG2 gene. It is expected to disrupt RNA splicing and likely results in an absent or disrupted protein product.